The following is an entry in ClinVar:

NC_000001.10:g.(?_218520044)_(218520409_?)del

Gene: TGFB2 (transforming growth factor beta 2; plus strand). Cytogenetic location: 1q41.
Variant type: Deletion.
Identifiers: ClinVar variation 3247811 (VCV003247811.1).

ClinVar aggregate classification (germline): Pathogenic (1 of 4 stars; one submission).

Conditions:
Loeys-Dietz syndrome 4 (LDS4). Also called: TGFB2-Related Loeys-Dietz Syndrome; ANEURYSM, AORTIC AND CEREBRAL, WITH ARTERIAL TORTUOSITY AND SKELETAL MANIFESTATIONS. Identifiers: MedGen C3553762, MONDO:0013897, OMIM 614816.

Submission:

Labcorp Genetics (formerly Invitae), Labcorp
Classification: Pathogenic for Loeys-Dietz syndrome 4. Last evaluated: 2022-05-09. Review status: criteria provided, single submitter. Criteria: Invitae Variant Classification Sherloc (09022015). Collection method: clinical testing. Allele origin: unknown.
Comment: This variant is a gross deletion of the genomic region encompassing exon(s) 1 of the TGFB2 gene, which includes the initiator codon. This deletion extends beyond the assayed region for this gene and therefore may encompass additional genes. It is expected to result in an absent or disrupted protein product. Loss-of-function variants in TGFB2 are known to be pathogenic (PMID: 22772368, 22772371, 30739908). This variant has not been reported in the literature in individuals affected with TGFB2-related conditions. For these reasons, this variant has been classified as Pathogenic.

Literature cited by the submitters: PubMed 22772368; PubMed 22772371; PubMed 30739908.